The following is an entry in ClinVar:

NM_001457.4(FLNB):c.6605G>C (p.Gly2202Ala)

Gene: FLNB (filamin B; plus strand). Cytogenetic location: 3p14.3.
Variant type: single nucleotide variant.
Coding change: c.6605G>C on transcript NM_001457.4 (MANE Select); coding-DNA position 6605, G replaced by C.
Protein change: p.Gly2202Ala; replaces glycine 2202 with alanine.
Molecular consequence: missense variant.
Genome position (GRCh38, 1-based): chr3:58,153,612, G>C. VCF-style: chr3-58153612-G-C. GRCh37 (hg19) VCF-style: chr3-58139339-G-C.
Other names: c.6698G>C, p.Gly2233Ala (NM_001164317.2); c.6572G>C, p.Gly2191Ala (NM_001164318.2); c.6533G>C, p.Gly2178Ala (NM_001164319.2); short protein forms G2178A, G2191A, G2202A, G2233A.
Identifiers: ClinVar variation 5019559 (VCV005019559.2).

ClinVar aggregate classification (germline): Uncertain significance (1 of 4 stars; one submission).

Conditions:
Spondylocarpotarsal synostosis syndrome (SCT). Also called: Synspondylism congenital; Scoliosis, congenital with unilateral unsegmented bar; SPONDYLOCARPOTARSAL SYNDROME; VERTEBRAL FUSION WITH CARPAL COALITION; Spondylocarpotarsal Synostosis Syndrome (FLNB-SCT). Identifiers: Orphanet 3275, MedGen C1848934, MONDO:0010094, OMIM 272460.
Boomerang dysplasia. Identifiers: Orphanet 1263, MedGen C0432201, MONDO:0007208, OMIM 112310.
Atelosteogenesis type I. Also called: SPONDYLOHUMEROFEMORAL HYPOPLASIA; Atelosteogenesis Type 1 (FLNB-AO1); GIANT CELL CHONDRODYSPLASIA. Identifiers: Orphanet 1190, MedGen C0265283, MONDO:0007167, OMIM 108720.
Atelosteogenesis type III. Also called: Atelosteogenesis Type 3 (FLNB-AO3). Identifiers: Orphanet 56305, MedGen C3668942, MONDO:0007168, OMIM 108721.
Larsen syndrome (LRS). Also called: Bilateral dislocation of the knees, pes cavus, cylindrically shaped fingers and characteristic facies; Larsen syndrome (FLNB-LS). Identifiers: Orphanet 503, MedGen C0175778, MONDO:0007875, OMIM 150250. Disease mechanism: loss of function.

gnomAD v4.1: 1 of 1,614,136 alleles (0.000062%); highest among the groups gnomAD compares: South Asian, 0.0011%; no homozygotes.

Submission:

Juno Genomics, Hangzhou Juno Genomics, Inc
Classification: Uncertain significance for Atelosteogenesis type I; Atelosteogenesis type III; Boomerang dysplasia; Larsen syndrome; Spondylocarpotarsal synostosis syndrome. Review status: criteria provided, single submitter. Criteria: ACMG Guidelines, 2015. Collection method: clinical testing. Allele origin: germline.
Comment: Absent from controls (or at extremely low frequency if recessive) in Genome Aggregation Database.;Multiple lines of computational evidence support a deleterious effect on the gene or gene product.;Missense variant in a gene that has a low rate of benign missense variation.